The following is an entry in ClinVar:

NM_001025603.2(RFX5):c.1748G>A (p.Gly583Glu)

Gene: RFX5 (regulatory factor X5; minus strand). Cytogenetic location: 1q21.3.
Variant type: single nucleotide variant.
Coding change: c.1748G>A on transcript NM_001025603.2 (MANE Select); coding-DNA position 1748, G replaced by A.
Protein change: p.Gly583Glu; replaces glycine 583 with glutamic acid.
Molecular consequence: missense variant.
Genome position (GRCh38, 1-based): chr1:151,342,289, C>T on the plus strand (G>A on the coding strand, the complement: RFX5 is on the minus strand). VCF-style: chr1-151342289-C-T. GRCh37 (hg19) VCF-style: chr1-151314765-C-T.
Other names: c.1748G>A, p.Gly583Glu (NM_000449.4, NM_001379412.1, NM_001379413.1 and 5 more transcripts); c.1628G>A, p.Gly543Glu (NM_001379419.1, NM_001379420.1); short protein forms G583E, G543E.
Identifiers: ClinVar variation 1428294 (VCV001428294.8), dbSNP rs1421740629, ClinGen allele CA341923677.

ClinVar aggregate classification (germline): Uncertain significance (1 of 4 stars; one submission).

Conditions:
MHC class II deficiency. Also called: BLS, TYPE II; Bare lymphocyte syndrome 2. Identifiers: Orphanet 572, MedGen C5447452, MONDO:0008855.

Allele frequency attached by ClinVar (database versions not stated): gnomAD exomes below 0.00001.

Submission:

Labcorp Genetics (formerly Invitae), Labcorp
Classification: Uncertain significance for MHC class II deficiency. Last evaluated: 2020-12-08. Review status: criteria provided, single submitter. Criteria: Invitae Variant Classification Sherloc (09022015). Collection method: clinical testing. Allele origin: germline.
Comment: This variant is not present in population databases (ExAC no frequency). This sequence change replaces glycine with glutamic acid at codon 583 of the RFX5 protein (p.Gly583Glu). The glycine residue is moderately conserved and there is a moderate physicochemical difference between glycine and glutamic acid. This variant has not been reported in the literature in individuals with RFX5-related conditions. In summary, the available evidence is currently insufficient to determine the role of this variant in disease. Therefore, it has been classified as a Variant of Uncertain Significance. Algorithms developed to predict the effect of missense changes on protein structure and function output the following: SIFT: "Tolerated"; PolyPhen-2: "Benign"; Align-GVGD: "Class C0". The glutamic acid amino acid residue is found in multiple mammalian species, suggesting that this missense change does not adversely affect protein function. These predictions have not been confirmed by published functional studies and their clinical significance is uncertain.